The following is an entry in ClinVar:

NM_000059.4(BRCA2):c.7977-20A>T

Gene: BRCA2 (BRCA2 DNA repair associated; plus strand). Cytogenetic location: 13q13.1.
Variant type: single nucleotide variant.
Coding change: c.7977-20A>T on transcript NM_000059.4 (MANE Select); 20 bases into the intron before coding-DNA position 7977, A replaced by T.
Molecular consequence: intron variant.
Genome position (GRCh38, 1-based): chr13:32,363,159, A>T. VCF-style: chr13-32363159-A-T. GRCh37 (hg19) VCF-style: chr13-32937296-A-T.
Identifiers: ClinVar variation 495503 (VCV000495503.1), dbSNP rs1555286924, ClinGen allele CA658683866.

ClinVar aggregate classification (germline): Uncertain significance (1 of 4 stars; one submission).

Submission:

Women's Health and Genetics/Laboratory Corporation of America, LabCorp
Classification: Uncertain significance. Last evaluated: 2016-10-03. Review status: criteria provided, single submitter. Criteria: LabCorp Variant Classification Summary - May 2015. Collection method: clinical testing. Allele origin: germline.
Comment: Variant summary: The BRCA2 c.7977-20A>T variant involves the alteration of a non-conserved intronic nucleotide. One in silico tool predicts a benign outcome for this variant. 5/5 splice prediction tools via Alamut suggest no significant impact on a normal splicing pattern. This variant is absent from 108486 control chromosomes (ExAC data). The variant of interest has not, to our knowledge, been reported in affected individuals via publications and/or reputable databases/clinical diagnostic laboratories nor was it evaluated for functional impact by in vivo/vitro studies. Taken together, this variant is classified as VUS-possibly benign.